The following is an entry in ClinVar:

NM_013254.4(TBK1):c.281T>C (p.Leu94Ser)

Gene: TBK1 (TANK binding kinase 1; plus strand). Cytogenetic location: 12q14.2.
Variant type: single nucleotide variant.
Coding change: c.281T>C on transcript NM_013254.4 (MANE Select); coding-DNA position 281, T replaced by C.
Protein change: p.Leu94Ser; replaces leucine 94 with serine.
Molecular consequence: missense variant.
Genome position (GRCh38, 1-based): chr12:64,464,386, T>C. VCF-style: chr12-64464386-T-C. GRCh37 (hg19) VCF-style: chr12-64858166-T-C.
Other names: p.Leu94Ser; short protein forms L94S.
Identifiers: ClinVar variation 3721169 (VCV003721169.3).

ClinVar aggregate classification (germline): Conflicting classifications of pathogenicity. Review status: criteria provided, conflicting classifications (1 of 4 stars). 2 submissions from 2 submitters: Likely pathogenic (1); Uncertain significance (1). Last evaluated 2024-12-03.

Conditions:
Frontotemporal dementia and/or amyotrophic lateral sclerosis 4. Also called: FTDALS4. Identifiers: Orphanet 275872, MedGen C4225325, MONDO:0014641, OMIM 616439.

Submissions (2):

Mayo Clinic Laboratories, Mayo Clinic
Classification: Uncertain significance. Last evaluated: 2024-12-03. Review status: criteria provided, single submitter. Criteria: ACMG Guidelines, 2015. Collection method: clinical testing. Allele origin: germline. Observed: 1 variant allele.
Comment: PP3, PM2_supporting

Labcorp Genetics (formerly Invitae), Labcorp
Classification: Likely pathogenic for Frontotemporal dementia and/or amyotrophic lateral sclerosis 4. Last evaluated: 2024-11-24. Review status: criteria provided, single submitter. Criteria: Invitae Variant Classification Sherloc (09022015). Collection method: clinical testing. Allele origin: germline.
Comment: This sequence change replaces leucine, which is neutral and non-polar, with serine, which is neutral and polar, at codon 94 of the TBK1 protein (p.Leu94Ser). This variant is not present in population databases (gnomAD no frequency). This missense change has been observed in individuals with clinical features of amyotrophic lateral sclerosis (PMID: 28008748, 28709720; internal data). Invitae Evidence Modeling of protein sequence and biophysical properties (such as structural, functional, and spatial information, amino acid conservation, physicochemical variation, residue mobility, and thermodynamic stability) indicates that this missense variant is expected to disrupt TBK1 protein function with a positive predictive value of 95%. Experimental studies have shown that this missense change affects TBK1 function (PMID: 28008748). In summary, the currently available evidence indicates that the variant is pathogenic, but additional data are needed to prove that conclusively. Therefore, this variant has been classified as Likely Pathogenic.

Literature cited by the submitters: PubMed 28008748 (cited by Mayo Clinic Laboratories, Mayo Clinic and Labcorp Genetics (formerly Invitae), Labcorp); PubMed 28709720 (cited by Mayo Clinic Laboratories, Mayo Clinic and Labcorp Genetics (formerly Invitae), Labcorp); PubMed 28822984 (cited by Mayo Clinic Laboratories, Mayo Clinic); PubMed 30672142 (cited by Mayo Clinic Laboratories, Mayo Clinic); PubMed 35240373 (cited by Mayo Clinic Laboratories, Mayo Clinic); PubMed 35845111 (cited by Mayo Clinic Laboratories, Mayo Clinic); PubMed 36113750 (cited by Mayo Clinic Laboratories, Mayo Clinic).